The following is an entry in ClinVar:

NM_002691.4(POLD1):c.481A>T (p.Met161Leu)

Gene: POLD1 (DNA polymerase delta 1, catalytic subunit; plus strand). Cytogenetic location: 19q13.33.
Variant type: single nucleotide variant.
Coding change: c.481A>T on transcript NM_002691.4 (MANE Select); coding-DNA position 481, A replaced by T.
Protein change: p.Met161Leu; replaces methionine 161 with leucine.
Molecular consequence: missense variant. On other transcripts: non-coding transcript variant (1).
Genome position (GRCh38, 1-based): chr19:50,402,016, A>T. VCF-style: chr19-50402016-A-T. GRCh37 (hg19) VCF-style: chr19-50905273-A-T.
Other names: c.481A>T, p.Met161Leu (NM_001256849.1, NM_001308632.1); c.481A>T (NM_002691.2); short protein forms M161L.
Identifiers: ClinVar variation 408101 (VCV000408101.17), dbSNP rs763969133, ClinGen allele CA9595761.

ClinVar aggregate classification (germline): Conflicting classifications of pathogenicity. Review status: criteria provided, conflicting classifications (1 of 4 stars). 6 submissions from 6 submitters: Uncertain significance (4); Likely benign (1). 1 of the submissions does not count toward it. Last evaluated 2025-09-27.

Conditions:
Hereditary cancer-predisposing syndrome. Also called: Neoplastic Syndromes, Hereditary; Hereditary neoplastic syndrome; Hereditary Cancer Syndrome; Tumor predisposition. Identifiers: Orphanet 140162, MedGen C0027672, MeSH D009386, MONDO:0015356.
POLD1-related polyposis and colorectal cancer syndrome (CRCS10). Also called: Colorectal cancer, susceptibility to, 10; Colorectal cancer 10; COLORECTAL CANCER, SUSCEPTIBILITY TO, ON CHROMOSOME 19q. Identifiers: Orphanet 220460, MedGen C2675481, MONDO:0012953, OMIM 612591.
Immunodeficiency 120. Identifiers: MedGen C5935622, MONDO:0970994, OMIM 620836.
Mandibular hypoplasia-deafness-progeroid syndrome. Also called: Mandibular hypoplasia, deafness, progeroid features, and lipodystrophy syndrome. Identifiers: Orphanet 363649, MedGen C3715192, MONDO:0014157, OMIM 615381.

Allele frequency attached by ClinVar (database versions not stated): TOPMed 0.00001; ExAC 0.00002; gnomAD exomes 0.00002.

Submissions (6):

Labcorp Genetics (formerly Invitae), Labcorp
Classification: Uncertain significance for POLD1-related polyposis and colorectal cancer syndrome. Last evaluated: 2025-09-27. Review status: criteria provided, single submitter. Criteria: Invitae Variant Classification Sherloc (09022015). Collection method: clinical testing. Allele origin: germline.
Comment: This sequence change replaces methionine, which is neutral and non-polar, with leucine, which is neutral and non-polar, at codon 161 of the POLD1 protein (p.Met161Leu). This variant is present in population databases (rs763969133, gnomAD 0.01%). This variant has not been reported in the literature in individuals affected with POLD1-related conditions. ClinVar contains an entry for this variant (Variation ID: 408101). Invitae Evidence Modeling of protein sequence and biophysical properties (such as structural, functional, and spatial information, amino acid conservation, physicochemical variation, residue mobility, and thermodynamic stability) indicates that this missense variant is not expected to disrupt POLD1 protein function with a negative predictive value of 80%. In summary, the available evidence is currently insufficient to determine the role of this variant in disease. Therefore, it has been classified as a Variant of Uncertain Significance.

Ambry Genetics
Classification: Likely benign for Hereditary cancer-predisposing syndrome. Last evaluated: 2025-08-06. Review status: criteria provided, single submitter. Criteria: Ambry Variant Classification Scheme 2023. Collection method: clinical testing. Allele origin: germline.

GeneDx
Classification: Uncertain significance. Last evaluated: 2024-11-12. Review status: criteria provided, single submitter. Criteria: GeneDx Variant Classification Process June 2021. Collection method: clinical testing. Allele origin: germline. Affected: yes.
Comment: Not observed at significant frequency in large population cohorts (gnomAD); In silico analysis indicates that this missense variant does not alter protein structure/function; Has not been previously published as pathogenic or benign to our knowledge

Fulgent Genetics
Classification: Uncertain significance for POLD1-related polyposis and colorectal cancer syndrome; Mandibular hypoplasia-deafness-progeroid syndrome; Immunodeficiency 120. Last evaluated: 2024-05-08. Review status: criteria provided, single submitter. Criteria: ACMG Guidelines, 2015. Collection method: clinical testing. Allele origin: germline.

Quest Diagnostics Nichols Institute San Juan Capistrano
Classification: Uncertain significance. Last evaluated: 2018-01-05. Review status: criteria provided, single submitter. Criteria: Quest Diagnostics criteria. Collection method: clinical testing. Allele origin: germline.

True Health Diagnostics
Classification: Uncertain significance for Hereditary cancer-predisposing syndrome. Last evaluated: 2018-04-09. Review status: no assertion criteria provided. Collection method: clinical testing. Allele origin: germline. Not counted in ClinVar's aggregate classification.